The following is an entry in ClinVar:

ClinVar aggregate classification (germline): Likely benign (1 of 4 stars; one submission).

Conditions:
Congenital hypogonadotropic hypogonadism. Identifiers: Orphanet 174590, MedGen C3899503, MONDO:0015770.

Submission:

Reproductive Endocrine Unit, Massachusetts General Hospital
Classification: Likely benign for Congenital hypogonadotropic hypogonadism. Last evaluated: 2025-05-01. Review status: criteria provided, single submitter. Criteria: ACMG Guidelines, 2015. Collection method: research. Allele origin: unknown. Affected: yes.
Comment: Ala39Ser meets the BP4, BP5, PM2 ACMG criteria. In summary, the Ala39Ser is classified as likely benign based upon the information we were able to obtain.

NM_004098.4(EMX2):c.115G>T (p.Ala39Ser)

Genes: EMX2 (empty spiracles homeobox 2; plus strand), EMX2OS (EMX2 opposite strand/antisense RNA; minus strand). Cytogenetic location: 10q26.11.
Variant type: single nucleotide variant.
Coding change: c.115G>T on transcript NM_004098.4 (MANE Select); coding-DNA position 115, G replaced by T.
Protein change: p.Ala39Ser; replaces alanine 39 with serine.
Molecular consequence: missense variant.
Genome position (GRCh38, 1-based): chr10:117,543,382, G>T. VCF-style: chr10-117543382-G-T. GRCh37 (hg19) VCF-style: chr10-119302893-G-T.
Other names: c.115G>T, p.Ala39Ser (NM_001165924.2); short protein forms A39S.
Identifiers: ClinVar variation 3896709 (VCV003896709.1).